The following is an entry in ClinVar:

ClinVar aggregate classification (germline): Likely benign. Review status: criteria provided, multiple submitters, no conflicts (2 of 4 stars). 2 submissions from 2 submitters: Likely benign (2). Last evaluated 2026-01-30.

Allele frequency attached by ClinVar (database versions not stated): TOPMed 0.00006; gnomAD 0.00009; ExAC 0.00010; 1000 Genomes Project 30x 0.00016; 1000 Genomes Project 0.00020; ESP Exome Variant Server 0.00022.
gnomAD v4.1: 114 of 1,551,620 alleles (0.0073%); highest among the groups gnomAD compares: Non-Finnish European, 0.0092%; no homozygotes.

Submissions (2):

Labcorp Genetics (formerly Invitae), Labcorp
Classification: Likely benign. Last evaluated: 2026-01-30. Review status: criteria provided, single submitter. Criteria: Invitae Variant Classification Sherloc (09022015). Collection method: clinical testing. Allele origin: germline.

CeGaT Center for Human Genetics Tuebingen
Classification: Likely benign. Last evaluated: 2025-01-01. Review status: criteria provided, single submitter. Criteria: CeGaT Center For Human Genetics Tuebingen Variant Classification Criteria Version 2. Collection method: clinical testing. Allele origin: germline. Affected: yes. Observed: 1 variant allele.
Comment: GREB1L: BP4, BP7

NM_001142966.3(GREB1L):c.5385C>T (p.His1795=)

Gene: GREB1L (GREB1 like retinoic acid receptor coactivator; plus strand). Cytogenetic location: 18q11.2.
Variant type: single nucleotide variant.
Coding change: c.5385C>T on transcript NM_001142966.3 (MANE Select); coding-DNA position 5385, C replaced by T.
Protein change: p.His1795=; no amino-acid change (histidine 1795 retained).
Molecular consequence: synonymous variant.
Genome position (GRCh38, 1-based): chr18:21,518,147, C>T. VCF-style: chr18-21518147-C-T. GRCh37 (hg19) VCF-style: chr18-19098108-C-T.
Other names: c.5514C>T, p.His1838= (NM_001410867.1); c.5058C>T, p.His1686= (NM_001410868.1).
Identifiers: ClinVar variation 2417361 (VCV002417361.20), dbSNP rs373959953, ClinGen allele CA8906742.